The following is an entry in ClinVar:

ClinVar aggregate classification (germline): Likely pathogenic (1 of 4 stars; one submission).

Conditions:
Acrocallosal syndrome (ACLS). Also called: HALLUX DUPLICATION, POSTAXIAL POLYDACTYLY, AND ABSENCE OF CORPUS CALLOSUM; Schinzel syndrome 1; Absence of corpus callosum with unusual facial appearance, mental deficiency, duplication of the halluces and polydactyly. Identifiers: Orphanet 36, MedGen C0796147, MONDO:0008708, OMIM 200990.

Submission:

3billion
Classification: Likely pathogenic for Acrocallosal syndrome. Last evaluated: 2024-11-25. Review status: criteria provided, single submitter. Criteria: ACMG Guidelines, 2015. Collection method: clinical testing. Allele origin: germline. Affected: yes.
Comment: The variant is not observed in the gnomAD v4.1.0 dataset. Predicted Consequence/Location: Stop-gained (nonsense): predicted to result in a loss or disruption of normal protein function through nonsense-mediated decay (NMD) or protein truncation. Multiple pathogenic variants are reported downstream of the variant. Therefore, this variant is classified as Likely pathogenic according to the recommendation of ACMG/AMP guideline.

NM_198525.3(KIF7):c.472G>T (p.Glu158Ter)

Gene: KIF7 (kinesin family member 7; minus strand). Cytogenetic location: 15q26.1.
Variant type: single nucleotide variant.
Coding change: c.472G>T on transcript NM_198525.3 (MANE Select); coding-DNA position 472, G replaced by T.
Protein change: p.Glu158Ter; replaces glutamic acid 158 with a stop codon.
Molecular consequence: nonsense.
Genome position (GRCh38, 1-based): chr15:89,649,798, C>A on the plus strand (G>T on the coding strand, the complement: KIF7 is on the minus strand). VCF-style: chr15-89649798-C-A. GRCh37 (hg19) VCF-style: chr15-90193029-C-A.
Other names: short protein forms E158*.
Identifiers: ClinVar variation 4294086 (VCV004294086.1).